The following is an entry in ClinVar:

ClinVar aggregate classification (germline): Conflicting classifications of pathogenicity. Review status: criteria provided, conflicting classifications (1 of 4 stars). 2 submissions from 2 submitters: Uncertain significance (1); Likely benign (1). Last evaluated 2025-08-25.

Conditions:
Hereditary cancer-predisposing syndrome. Also called: Hereditary Cancer Syndrome; Tumor predisposition; Hereditary neoplastic syndrome; Neoplastic Syndromes, Hereditary. Identifiers: Orphanet 140162, MedGen C0027672, MeSH D009386, MONDO:0015356.

Submissions (2):

Labcorp Genetics (formerly Invitae), Labcorp
Classification: Likely benign. Last evaluated: 2025-08-25. Review status: criteria provided, single submitter. Criteria: Invitae Variant Classification Sherloc (09022015). Collection method: clinical testing. Allele origin: germline.

Sema4
Classification: Uncertain significance for Hereditary cancer-predisposing syndrome. Last evaluated: 2022-02-16. Review status: criteria provided, single submitter. Criteria: Sema4 Curation Guidelines. Collection method: curation. Allele origin: germline.
Comment: The SMARCB1 c.233-9_233-6delCTGT variant has not been reported in the literature to our knowledge. It was not observed in the large and broad cohorts of the Genome Aggregation Database. The variant has been reported in ClinVar (Variation ID 1042384). Algorithms developed to predict the effect of sequence changes on RNA splicing suggest that this variant may have an impact on splicing RNA splicing, though these predictions have not been confirmed by transcriptional studies. The evidence is insufficient to meet ACMG/AMP criteria for classifying the variant as benign or pathogenic. Thus, the clinical significance of this variant is currently uncertain.

NM_003073.5(SMARCB1):c.233-9_233-6del

Gene: SMARCB1 (SWI/SNF related BAF chromatin remodeling complex subunit B1; plus strand). Cytogenetic location: 22q11.23.
Variant type: Deletion.
Coding change: c.233-9_233-6del on transcript NM_003073.5 (MANE Select); 9 bases into the intron before coding-DNA position 233 through 6 bases into the intron before coding-DNA position 233, 4 bases deleted (CTGT; older notation c.233-9_233-6delCTGT).
Molecular consequence: intron variant.
Genome position (GRCh38, 1-based): chr22:23,793,550-23,793,553, CTGT deleted; deleting any 4 consecutive bases within chr22:23,793,547-23,793,553 gives the same sequence; the c. name uses the placement nearest the transcript's 3' end. VCF-style (leftmost placement, unchanged base first): chr22-23793546-TTGTC-T. GRCh37 (hg19) VCF-style: chr22-24135733-TTGTC-T.
Other names: c.233-9_233-6del (NM_001362877.2); c.206-9_206-6del (NM_001317946.2, NM_001007468.3).
Identifiers: ClinVar variation 1042384 (VCV001042384.10), dbSNP rs1928536961, ClinGen allele CA2397961320.